The following is an entry in ClinVar:

NM_001378120.1(MBD5):c.1087C>T (p.Pro363Ser)

Gene: MBD5 (methyl-CpG binding domain protein 5; plus strand). Cytogenetic location: 2q23.1.
Variant type: single nucleotide variant.
Coding change: c.1087C>T on transcript NM_001378120.1 (MANE Select); coding-DNA position 1087, C replaced by T.
Protein change: p.Pro363Ser; replaces proline 363 with serine.
Molecular consequence: missense variant.
Genome position (GRCh38, 1-based): chr2:148,469,030, C>T. VCF-style: chr2-148469030-C-T. GRCh37 (hg19) VCF-style: chr2-149226599-C-T.
Other names: c.1087C>T, p.Pro363Ser (NM_018328.5); short protein forms P363S.
Identifiers: ClinVar variation 1710686 (VCV001710686.2), dbSNP rs2469861068, ClinGen allele CA348718349.

ClinVar aggregate classification (germline): Uncertain significance (1 of 4 stars; one submission).

Submission:

GeneDx
Classification: Uncertain significance. Last evaluated: 2022-04-15. Review status: criteria provided, single submitter. Criteria: GeneDx Variant Classification Process June 2021. Collection method: clinical testing. Allele origin: germline. Affected: yes.
Comment: Not observed at significant frequency in large population cohorts (gnomAD); In silico analysis supports that this missense variant does not alter protein structure/function; Has not been previously published as pathogenic or benign to our knowledge